The following is an entry in ClinVar:

NM_000053.4(ATP7B):c.3688A>C (p.Ile1230Leu)

Gene: ATP7B (ATPase copper transporting beta; minus strand). Cytogenetic location: 13q14.3.
Variant type: single nucleotide variant.
Coding change: c.3688A>C on transcript NM_000053.4 (MANE Select); coding-DNA position 3688, A replaced by C.
Protein change: p.Ile1230Leu; replaces isoleucine 1230 with leucine.
Molecular consequence: missense variant.
Genome position (GRCh38, 1-based): chr13:51,939,062, T>G on the plus strand (A>C on the coding strand, the complement: ATP7B is on the minus strand). VCF-style: chr13-51939062-T-G. GRCh37 (hg19) VCF-style: chr13-52513198-T-G.
Other names: c.3067A>C, p.Ile1023Leu (NM_001005918.3); c.3355A>C, p.Ile1119Leu (NM_001243182.2); c.3454A>C, p.Ile1152Leu (NM_001330578.2); c.3436A>C, p.Ile1146Leu (NM_001330579.2); short protein forms I1146L, I1119L, I1230L, I1023L, I1152L.
Identifiers: ClinVar variation 1497544 (VCV001497544.8), dbSNP rs200911496, ClinGen allele CA6988610.

ClinVar aggregate classification (germline): Likely pathogenic (1 of 4 stars; one submission).

Conditions:
Wilson disease (WND). Also called: Wilson's disease. Identifiers: Orphanet 905, MedGen C0019202, MONDO:0010200, OMIM 277900. Disease mechanism: loss of function.

gnomAD v4.1: 1 of 1,614,256 alleles (0.000062%); highest among the groups gnomAD compares: Admixed American, 0.0017%; no homozygotes.

Submission:

Labcorp Genetics (formerly Invitae), Labcorp
Classification: Likely pathogenic for Wilson disease. Last evaluated: 2025-09-12. Review status: criteria provided, single submitter. Criteria: Invitae Variant Classification Sherloc (09022015). Collection method: clinical testing. Allele origin: germline.
Comment: This sequence change replaces isoleucine, which is neutral and non-polar, with leucine, which is neutral and non-polar, at codon 1230 of the ATP7B protein (p.Ile1230Leu). This variant is present in population databases (rs200911496, gnomAD 0.003%). This variant has not been reported in the literature in individuals affected with ATP7B-related conditions. ClinVar contains an entry for this variant (Variation ID: 1497544). Invitae Evidence Modeling of protein sequence and biophysical properties (such as structural, functional, and spatial information, amino acid conservation, physicochemical variation, residue mobility, and thermodynamic stability) indicates that this missense variant is expected to disrupt ATP7B protein function with a positive predictive value of 80%. This variant disrupts the p.Ile1230 amino acid residue in ATP7B. Other variant(s) that disrupt this residue have been determined to be pathogenic (PMID: 18373411, 23389864). This suggests that this residue is clinically significant, and that variants that disrupt this residue are likely to be disease-causing. In summary, the currently available evidence indicates that the variant is pathogenic, but additional data are needed to prove that conclusively. Therefore, this variant has been classified as Likely Pathogenic.

Literature cited by the submitters: PubMed 18373411; PubMed 23389864.